The following is an entry in ClinVar:

NM_002468.5(MYD88):c.755T>C (p.Leu252Pro)

Gene: MYD88 (MYD88 innate immune signal transduction adaptor; plus strand). Cytogenetic location: 3p22.2.
Variant type: single nucleotide variant.
Coding change: c.755T>C on transcript NM_002468.5 (MANE Select); coding-DNA position 755, T replaced by C.
Protein change: p.Leu252Pro; replaces leucine 252 with proline.
Molecular consequence: missense variant. On other transcripts: stop lost (5).
Genome position (GRCh38, 1-based): chr3:38,141,150, T>C. VCF-style: chr3-38141150-T-C. GRCh37 (hg19) VCF-style: chr3-38182641-T-C.
Other names: L265P; *160R; *192R; *246R; *147R; *201R; c.439T>C, p.Ter147Arg (NM_001172566.2); c.779T>C, p.Leu260Pro (NM_001172567.2); and 5 more; short protein forms L252P, L260P, L207P.
Identifiers: ClinVar variation 37055 (VCV000037055.10), dbSNP rs387907272, ClinGen allele CA130043.

ClinVar aggregate classification (germline): Uncertain significance. Review status: criteria provided, multiple submitters, no conflicts (2 of 4 stars). 4 submissions from 4 submitters: Uncertain significance (2). 2 of the submissions do not count toward it. Last evaluated 2023-06-03.
ClinVar aggregate classification (oncogenicity): Oncogenic (1 of 4 stars; one submission).

Conditions:
Malignant lymphoma, large B-cell, diffuse. Also called: Diffuse large B cell lymphoma. Identifiers: Orphanet 544, MedGen C0079744, MeSH D016403, MONDO:0018905.
Macroglobulinemia, Waldenstrom, somatic. Identifiers: MedGen C3549870.
Pyogenic bacterial infections due to MyD88 deficiency (IMD68). Also called: PYOGENIC BACTERIAL INFECTIONS, RECURRENT, DUE TO MYD88 DEFICIENCY. Identifiers: Orphanet 183713, MedGen C2677092, MONDO:0012839, OMIM 612260.
Neoplasm. Also called: tumor; Neoplasms; Neoplasm (disease). Identifiers: MedGen C0027651, MeSH D009369, MONDO:0005070, HP:0002664.

Allele frequency attached by ClinVar (database versions not stated): gnomAD exomes 0.00003 and 0.00005; ExAC 0.00010; 1000 Genomes Project 30x 0.00016; gnomAD 0.00001 and 0.00002; 1000 Genomes Project 0.00020.

Submissions (5):

Center for Genomic Medicine, Rigshospitalet, Copenhagen University Hospital
Classification: Oncogenic for Neoplasm. Last evaluated: 2025-03-04. Review status: criteria provided, single submitter. Criteria: ClinGen/CGC/VICC Guidelines for Oncogenicity, 2022. Collection method: clinical testing. Allele origin: somatic. Affected: yes.

Labcorp Genetics (formerly Invitae), Labcorp
Classification: Uncertain significance for Pyogenic bacterial infections due to MyD88 deficiency. Last evaluated: 2023-06-03. Review status: criteria provided, single submitter. Criteria: Invitae Variant Classification Sherloc (09022015). Collection method: clinical testing. Allele origin: germline.
Comment: In summary, the available evidence is currently insufficient to determine the role of this variant in disease. Therefore, it has been classified as a Variant of Uncertain Significance. Experimental studies have shown that this missense change affects MYD88 function (PMID: 21179087). An algorithm developed to predict the effect of missense changes on protein structure and function (PolyPhen-2) suggests that this variant is likely to be disruptive. ClinVar contains an entry for this variant (Variation ID: 37055). This variant has been reported as a recurrent somatic mutation in individuals affected with Waldenstr√∂m‚Äôs macroglobulinemia and other related lymphoid neoplasms (PMID: 22931316, 21179087, 23355535), but has not been reported as a germline variant. This variant is present in population databases (rs387907272, gnomAD 0.02%). This sequence change replaces leucine, which is neutral and non-polar, with proline, which is neutral and non-polar, at codon 265 of the MYD88 protein (p.Leu265Pro).

Blueprint Genetics
Classification: Uncertain significance. Last evaluated: 2022-03-30. Review status: criteria provided, single submitter. Criteria: ACMG Guidelines, 2015. Collection method: clinical testing. Allele origin: germline.

Wasik Lab, Fox Chase Cancer Center
Classification: Likely pathogenic for Malignant lymphoma, large B-cell, diffuse. Last evaluated: 2023-07-25. Review status: no assertion criteria provided. Collection method: clinical testing. Allele origin: somatic. Inheritance: Somatic mutation. Affected: yes. Observed: 1 heterozygote. Not counted in ClinVar's aggregate classification.
Comment: Despite an initial good clinical response to BTK inhibitor ibrutinib, anti-CD20 antibody rituxan, alkylating agent bendamustine, and hematopoietic stem-cell transplant, the lymphoma relapsed, accompanied by morphologic and molecular evidence of disease progression. MYD88 L265P was detected in the tumor at presentation and with increased variant allele frequency, genomic copy number, and RNA expression at recurrence. MYD88 is an essential signaling adaptor protein that interacts with Toll-like receptors (TLR), kinases IRAK1 and IRAK4 to form a ‘myddosome complex’. The L265P mutation is a gain of function oncogenic mutation resulting in spontaneous assembly of the myddosome complex (Ngo et al. 2011) and ultimately NF-kB pathway activation.

OMIM
Classification: Pathogenic for MACROGLOBULINEMIA, WALDENSTROM, SOMATIC. Last evaluated: 2012-12-06. Review status: no assertion criteria provided. Collection method: literature only. Allele origin: somatic. Not counted in ClinVar's aggregate classification.

Literature cited by the submitters: PubMed 23836557 (cited by Center for Genomic Medicine, Rigshospitalet, Copenhagen University Hospital); PubMed 21179087 (cited by 4 submitters); PubMed 22931316 (cited by Labcorp Genetics (formerly Invitae), Labcorp and OMIM); PubMed 23355535 (cited by Labcorp Genetics (formerly Invitae), Labcorp); PubMed 23215570 (cited by OMIM); Treon, S. P., Xu, L., Hunter, Z. R. Reply to Landgren and Staudt. (Letter) New Eng. J. Med. 367: 2256-2257, 2012. (cited by OMIM).